The following is an entry in ClinVar:

ClinVar aggregate classification (germline): Uncertain significance (1 of 4 stars; one submission).

Conditions:
PCNT-related disorder. Also called: PCNT-related condition.

gnomAD v4.1: 5 of 1,614,072 alleles (0.00031%); highest among the groups gnomAD compares: African/African-American, 0.0053%; no homozygotes.

Submission:

PreventionGenetics, part of Exact Sciences
Classification: Uncertain significance for PCNT-related condition. Last evaluated: 2026-04-02. Review status: criteria provided, single submitter. Criteria: ACMG Guidelines, 2015. Collection method: clinical testing. Allele origin: germline.
Comment: The PCNT c.6254C>T variant is predicted to result in the amino acid substitution p.Thr2085Ile. To our knowledge, this variant has not been reported in the literature or in a large population database (gnomAD), indicating this variant is rare. At this time, the clinical significance of this variant is uncertain due to the absence of conclusive functional and genetic evidence.

NM_006031.6(PCNT):c.6254C>T (p.Thr2085Ile)

Gene: PCNT (pericentrin; plus strand). Cytogenetic location: 21q22.3.
Variant type: single nucleotide variant.
Coding change: c.6254C>T on transcript NM_006031.6 (MANE Select); coding-DNA position 6254, C replaced by T.
Protein change: p.Thr2085Ile; replaces threonine 2085 with isoleucine.
Molecular consequence: missense variant.
Genome position (GRCh38, 1-based): chr21:46,416,172, C>T. VCF-style: chr21-46416172-C-T. GRCh37 (hg19) VCF-style: chr21-47836086-C-T.
Other names: c.5900C>T, p.Thr1967Ile (NM_001315529.2); short protein forms T2085I, T1967I.
Identifiers: ClinVar variation 4977287 (VCV004977287.1).